The following is an entry in ClinVar:

ClinVar aggregate classification (germline): Uncertain significance (1 of 4 stars; one submission).

Conditions:
Hajdu-Cheney syndrome (HJCYS). Also called: SERPENTINE FIBULA-POLYCYSTIC KIDNEY SYNDROME; Acroosteolysis dominant type; ACROOSTEOLYSIS WITH OSTEOPOROSIS AND CHANGES IN SKULL AND MANDIBLE. Identifiers: Orphanet 955, MedGen C0917715, MONDO:0007057, OMIM 102500.

gnomAD v4.1: 1 of 1,613,880 alleles (0.000062%); highest among the groups gnomAD compares: Non-Finnish European, 0.000085%; no homozygotes.

Submission:

Labcorp Genetics (formerly Invitae), Labcorp
Classification: Uncertain significance for Hajdu-Cheney syndrome. Last evaluated: 2025-12-10. Review status: criteria provided, single submitter. Criteria: Invitae Variant Classification Sherloc (09022015). Collection method: clinical testing. Allele origin: germline.
Comment: This sequence change replaces isoleucine, which is neutral and non-polar, with lysine, which is basic and polar, at codon 495 of the NOTCH2 protein (p.Ile495Lys). This variant is not present in population databases (gnomAD no frequency). This variant has not been reported in the literature in individuals affected with NOTCH2-related conditions. An algorithm developed to predict the effect of missense changes on protein structure and function (PolyPhen-2) suggests that this variant is likely to be disruptive. In summary, the available evidence is currently insufficient to determine the role of this variant in disease. Therefore, it has been classified as a Variant of Uncertain Significance.

NM_024408.4(NOTCH2):c.1484T>A (p.Ile495Lys)

Gene: NOTCH2 (notch receptor 2; minus strand). Cytogenetic location: 1p12.
Variant type: single nucleotide variant.
Coding change: c.1484T>A on transcript NM_024408.4 (MANE Select); coding-DNA position 1484, T replaced by A.
Protein change: p.Ile495Lys; replaces isoleucine 495 with lysine.
Molecular consequence: missense variant.
Genome position (GRCh38, 1-based): chr1:119,966,459, A>T on the plus strand (T>A on the coding strand, the complement: NOTCH2 is on the minus strand). VCF-style: chr1-119966459-A-T. GRCh37 (hg19) VCF-style: chr1-120509082-A-T.
Other names: c.1484T>A, p.Ile495Lys (NM_001200001.2); short protein forms I495K.
Identifiers: ClinVar variation 4811111 (VCV004811111.1).